The following is an entry in ClinVar:

NM_000492.4(CFTR):c.1316C>G (p.Pro439Arg)

Genes: CFTR (CF transmembrane conductance regulator; plus strand), CFTR-AS1 (CFTR antisense RNA 1; minus strand). Cytogenetic location: 7q31.2.
Variant type: single nucleotide variant.
Coding change: c.1316C>G on transcript NM_000492.4 (MANE Select); coding-DNA position 1316, C replaced by G.
Protein change: p.Pro439Arg; replaces proline 439 with arginine.
Molecular consequence: missense variant.
Genome position (GRCh38, 1-based): chr7:117,548,747, C>G. VCF-style: chr7-117548747-C-G. GRCh37 (hg19) VCF-style: chr7-117188801-C-G.
Other names: short protein forms P439R.
Identifiers: ClinVar variation 3339495 (VCV003339495.2).

ClinVar aggregate classification (germline): Uncertain significance (1 of 4 stars; one submission).

Submission:

Women's Health and Genetics/Laboratory Corporation of America, LabCorp
Classification: Uncertain significance. Last evaluated: 2025-09-19. Review status: criteria provided, single submitter. Criteria: LabCorp Variant Classification Summary - May 2015. Collection method: clinical testing. Allele origin: germline.
Comment: Variant summary: CFTR c.1316C>G (p.Pro439Arg) results in a non-conservative amino acid change located in the first ATP-binding domain (IPR003439) of the encoded protein sequence. Algorithms developed to predict the effect of missense changes on protein structure and function all suggest that this variant is likely to be disruptive. The variant was absent in 242792 control chromosomes (gnomAD). The available data on variant occurrences in the general population are insufficient to allow any conclusion about variant significance. c.1316C>G has been observed in an individual affected with pancreatitis (e.g. Pelletier_2010), however no further geno- and phenotype information was provided. These report(s) do not provide unequivocal conclusions about association of the variant with Cystic Fibrosis. A different variant affecting the same codon has been classified as likely pathogenic/pathogenic by our lab (c.1315C>T, p.Pro439Ser), supporting the critical relevance of codon 439 to CFTR protein function. To our knowledge, no experimental evidence demonstrating an impact on protein function has been reported. The following publication has been ascertained in the context of this evaluation (PMID: 20460946). ClinVar contains an entry for this variant (Variation ID: 3339495). Based on the evidence outlined above, the variant was classified as uncertain significance.

Literature cited by the submitters: PubMed 20460946.